The following is an entry in ClinVar:

NM_000548.5(TSC2):c.4101T>A (p.Gly1367=)

Gene: TSC2 (TSC complex subunit 2; plus strand). Cytogenetic location: 16p13.3.
Variant type: single nucleotide variant.
Coding change: c.4101T>A on transcript NM_000548.5 (MANE Select); coding-DNA position 4101, T replaced by A.
Protein change: p.Gly1367=; no amino-acid change (glycine 1367 retained).
Molecular consequence: synonymous variant. On other transcripts: non-coding transcript variant (5).
Genome position (GRCh38, 1-based): chr16:2,084,323, T>A. VCF-style: chr16-2084323-T-A. GRCh37 (hg19) VCF-style: chr16-2134324-T-A.
Other names: c.3900T>A, p.Gly1300= (NM_001077183.3); c.4032T>A, p.Gly1344= (NM_001114382.3); c.3792T>A, p.Gly1264= (NM_001318827.2); c.3756T>A, p.Gly1252= (NM_001318829.2); c.3369T>A, p.Gly1123= (NM_001318831.2); c.3933T>A, p.Gly1311= (NM_001318832.2); c.3903T>A, p.Gly1301= (NM_001363528.2); c.3969T>A, p.Gly1323= (NM_001370404.1); and 26 more.
Identifiers: ClinVar variation 4071140 (VCV004071140.1).

ClinVar aggregate classification (germline): Benign (1 of 4 stars; one submission).

Conditions:
Tuberous sclerosis 2 (TSC2). Identifiers: Orphanet 805, MedGen C1860707, MONDO:0013199, OMIM 613254.

Submission:

Myriad Genetics, Inc.
Classification: Benign for Tuberous sclerosis 2. Last evaluated: 2025-06-02. Review status: criteria provided, single submitter. Criteria: Myriad Autosomal Dominant, Autosomal Recessive and X-Linked Classification Criteria (2023). Collection method: clinical testing. Allele origin: unknown.
Comment: This variant is considered benign. This variant is a silent/synonymous amino acid change and it is not expected to impact splicing.